The following is an entry in ClinVar:

NM_016213.5(TRIP4):c.1631C>T (p.Pro544Leu)

Genes: TRIP4 (thyroid hormone receptor interactor 4; plus strand), LOC126862156 (MED14-independent group 3 enhancer GRCh37_chr15:64736443-64737642; plus strand). Cytogenetic location: 15q22.31.
Variant type: single nucleotide variant.
Coding change: c.1631C>T on transcript NM_016213.5 (MANE Select); coding-DNA position 1631, C replaced by T.
Protein change: p.Pro544Leu; replaces proline 544 with leucine.
Molecular consequence: missense variant. On other transcripts: non-coding transcript variant (1).
Genome position (GRCh38, 1-based): chr15:64,445,061, C>T. VCF-style: chr15-64445061-C-T. GRCh37 (hg19) VCF-style: chr15-64737260-C-T.
Other names: c.941C>T, p.Pro314Leu (NM_001321924.2); short protein forms P314L, P544L.
Identifiers: ClinVar variation 2988919 (VCV002988919.3), dbSNP rs774346541, ClinGen allele CA7609732.

ClinVar aggregate classification (germline): Uncertain significance (1 of 4 stars; one submission).

Allele frequency attached by ClinVar (database versions not stated): TOPMed below 0.00001; gnomAD 0.00001; ExAC 0.00002.
gnomAD v4.1: 14 of 1,606,602 alleles (0.00087%); highest among the groups gnomAD compares: Admixed American, 0.0017%; no homozygotes.

Submission:

Labcorp Genetics (formerly Invitae), Labcorp
Classification: Uncertain significance. Last evaluated: 2023-08-14. Review status: criteria provided, single submitter. Criteria: Invitae Variant Classification Sherloc (09022015). Collection method: clinical testing. Allele origin: germline.
Comment: In summary, the available evidence is currently insufficient to determine the role of this variant in disease. Therefore, it has been classified as a Variant of Uncertain Significance. Advanced modeling of protein sequence and biophysical properties (such as structural, functional, and spatial information, amino acid conservation, physicochemical variation, residue mobility, and thermodynamic stability) performed at Invitae indicates that this missense variant is expected to disrupt TRIP4 protein function. This variant has not been reported in the literature in individuals affected with TRIP4-related conditions. This variant is present in population databases (rs774346541, gnomAD 0.006%). This sequence change replaces proline, which is neutral and non-polar, with leucine, which is neutral and non-polar, at codon 544 of the TRIP4 protein (p.Pro544Leu).